The following is an entry in ClinVar:

ClinVar aggregate classification (germline): Likely benign. Review status: criteria provided, multiple submitters, no conflicts (2 of 4 stars). 3 submissions from 3 submitters: Likely benign (2). 1 of the submissions does not count toward it. Last evaluated 2026-01-28.

Conditions:
EP300-related disorder. Also called: EP300-related condition; EP300-related disorders.
Rubinstein-Taybi syndrome due to EP300 haploinsufficiency. Also called: EP300-Related Rubinstein-Taybi Syndrome; RUBINSTEIN-TAYBI SYNDROME 2. Identifiers: Orphanet 353284, Orphanet 783, MedGen C3150941, MONDO:0013364, OMIM 613684.

Allele frequency attached by ClinVar (database versions not stated): gnomAD exomes 0.00005 and 0.00006; ESP Exome Variant Server 0.00008; ExAC 0.00009; gnomAD 0.00015 and 0.00016; TOPMed 0.00022.
gnomAD v4.1: 104 of 1,614,076 alleles (0.0064%); highest among the groups gnomAD compares: African/African-American, 0.051%; no homozygotes.

Submissions (3):

Labcorp Genetics (formerly Invitae), Labcorp
Classification: Likely benign for Rubinstein-Taybi syndrome due to EP300 haploinsufficiency. Last evaluated: 2026-01-28. Review status: criteria provided, single submitter. Criteria: Invitae Variant Classification Sherloc (09022015). Collection method: clinical testing. Allele origin: germline.

GeneDx
Classification: Likely benign. Last evaluated: 2021-04-29. Review status: criteria provided, single submitter. Criteria: GeneDx Variant Classification Process June 2021. Collection method: clinical testing. Allele origin: germline. Affected: yes.

PreventionGenetics, part of Exact Sciences
Classification: Likely benign for EP300-related condition. Last evaluated: 2021-08-25. Review status: no assertion criteria provided. Collection method: clinical testing. Allele origin: germline. Not counted in ClinVar's aggregate classification.
Comment: This variant is classified as likely benign based on ACMG/AMP sequence variant interpretation guidelines (Richards et al. 2015 PMID: 25741868, with internal and published modifications).

NM_001429.4(EP300):c.513G>A (p.Ala171=)

Gene: EP300 (EP300 lysine acetyltransferase; plus strand). Cytogenetic location: 22q13.2.
Variant type: single nucleotide variant.
Coding change: c.513G>A on transcript NM_001429.4 (MANE Select); coding-DNA position 513, G replaced by A.
Protein change: p.Ala171=; no amino-acid change (alanine 171 retained).
Molecular consequence: synonymous variant.
Genome position (GRCh38, 1-based): chr22:41,117,605, G>A. VCF-style: chr22-41117605-G-A. GRCh37 (hg19) VCF-style: chr22-41513609-G-A.
Other names: c.513G>A, p.Ala171= (NM_001362843.2).
Identifiers: ClinVar variation 341778 (VCV000341778.12), dbSNP rs146041458, ClinGen allele CA10252268.